The following is an entry in ClinVar:

NM_000492.4(CFTR):c.3709G>A (p.Gly1237Ser)

Genes: CFTR (CF transmembrane conductance regulator; plus strand), CFTR-AS2 (CFTR antisense RNA 2; minus strand). Cytogenetic location: 7q31.2.
Variant type: single nucleotide variant.
Coding change: c.3709G>A on transcript NM_000492.4 (MANE Select); coding-DNA position 3709, G replaced by A.
Protein change: p.Gly1237Ser; replaces glycine 1237 with serine.
Molecular consequence: missense variant.
Genome position (GRCh38, 1-based): chr7:117,627,762, G>A. VCF-style: chr7-117627762-G-A. GRCh37 (hg19) VCF-style: chr7-117267816-G-A.
Other names: short protein forms G1237S.
Identifiers: ClinVar variation 558096 (VCV000558096.3), dbSNP rs1554394076, ClinGen allele CA368997583.

ClinVar aggregate classification (germline): Uncertain significance. Review status: criteria provided, single submitter (1 of 4 stars). 2 submissions from 2 submitters: Uncertain significance (1). 1 of the submissions does not count toward it. Last evaluated 2025-04-18.

Conditions:
Cystic fibrosis (CF). Also called: MUCOVISCIDOSIS. Identifiers: Orphanet 586, MedGen C0010674, MONDO:0009061, OMIM 219700. Disease mechanism: loss of function.

Allele frequency attached by ClinVar (database versions not stated): gnomAD exomes below 0.00001; TOPMed below 0.00001; gnomAD 0.00001.
gnomAD v4.1: 2 of 1,611,040 alleles (0.00012%); highest among the groups gnomAD compares: Non-Finnish European, 0.00017%; no homozygotes.

Submissions (2):

Women's Health and Genetics/Laboratory Corporation of America, LabCorp
Classification: Uncertain significance. Last evaluated: 2025-04-18. Review status: criteria provided, single submitter. Criteria: LabCorp Variant Classification Summary - May 2015. Collection method: clinical testing. Allele origin: germline.
Comment: Variant summary: CFTR c.3709G>A (p.Gly1237Ser) results in a non-conservative amino acid change in the encoded protein sequence. Five of five in-silico tools predict a damaging effect of the variant on protein function. The variant was absent in 278888 control chromosomes. The available data on variant occurrences in the general population are insufficient to allow any conclusion about variant significance. c.3709G>A has been observed in the heterozygous state in two siblings affected with bronchiectasis (Casals_2004). This report does not provide unequivocal conclusions about association of the variant with Cystic Fibrosis. To our knowledge, no experimental evidence demonstrating an impact on protein function has been reported. The following publication has been ascertained in the context of this evaluation (PMID: 15151509). ClinVar contains an entry for this variant (Variation ID: 558096). Based on the evidence outlined above, the variant was classified as uncertain significance.

Counsyl
Classification: Uncertain significance for Cystic fibrosis. Last evaluated: 2018-04-30. Review status: no assertion criteria provided. Collection method: clinical testing. Allele origin: unknown. Not counted in ClinVar's aggregate classification.

Literature cited by the submitters: PubMed 15151509 (cited by Women's Health and Genetics/Laboratory Corporation of America, LabCorp).